The following is an entry in ClinVar:

ClinVar aggregate classification (germline): Pathogenic. Review status: criteria provided, multiple submitters, no conflicts (2 of 4 stars). 3 submissions from 3 submitters: Pathogenic (3). Last evaluated 2025-08-26.

Conditions:
CLRN1-related disorder. Also called: CLRN1-related condition.
Usher syndrome. Also called: Usher's syndrome; Usher Syndromes. Identifiers: Orphanet 886, MedGen CN469326, MeSH D052245, MONDO:0019501. Disease mechanism: loss of function.

Submissions (3):

Labcorp Genetics (formerly Invitae), Labcorp
Classification: Pathogenic. Last evaluated: 2025-08-26. Review status: criteria provided, single submitter. Criteria: Invitae Variant Classification Sherloc (09022015). Collection method: clinical testing. Allele origin: germline.
Comment: This sequence change creates a premature translational stop signal (p.Ser188*) in the CLRN1 gene. While this is not anticipated to result in nonsense mediated decay, it is expected to disrupt the last 45 amino acid(s) of the CLRN1 protein. This variant is not present in population databases (gnomAD no frequency). This premature translational stop signal has been observed in individual(s) with CLRN1-related conditions (PMID: 22964989). ClinVar contains an entry for this variant (Variation ID: 1451157). This variant disrupts a region of the CLRN1 protein in which other variant(s) (p.Arg207*) have been determined to be pathogenic (PMID: 22952768, 23304067, 26338283). This suggests that this is a clinically significant region of the protein, and that variants that disrupt it are likely to be disease-causing. For these reasons, this variant has been classified as Pathogenic.

Women's Health and Genetics/Laboratory Corporation of America, LabCorp
Classification: Pathogenic for Usher syndrome. Last evaluated: 2024-12-26. Review status: criteria provided, single submitter. Criteria: LabCorp Variant Classification Summary - May 2015. Collection method: clinical testing. Allele origin: germline.
Comment: Variant summary: CLRN1 c.563C>A (p.Ser188X) results in a premature termination codon, predicted to cause a truncation of the encoded protein or absence of the protein due to nonsense mediated decay, which are commonly known mechanisms for disease. The variant was absent in 250870 control chromosomes (gnomAD). c.563C>A has been reported in the literature in a compound heterozygous individual affected with Usher Syndrome (e.g. Ratnam_2013), who carried a pathogenic variant in trans. To our knowledge, no experimental evidence demonstrating an impact on protein function has been reported. However, several truncations and missense changes are reported downstream from this position in affected individuals, and reported as pathogenic in ClinVar. The following publication have been ascertained in the context of this evaluation (PMID: 22964989). ClinVar contains an entry for this variant (Variation ID: 1451157). Based on the evidence outlined above, the variant was classified as pathogenic.

Blueprint Genetics
Classification: Pathogenic for CLRN1-related disorders. Last evaluated: 2022-09-20. Review status: criteria provided, single submitter. Criteria: ACMG Guidelines, 2015. Collection method: clinical testing. Allele origin: germline. Affected: yes. Observed: 3 variant alleles.

Literature cited by the submitters: PubMed 22964989 (cited by Labcorp Genetics (formerly Invitae), Labcorp and Women's Health and Genetics/Laboratory Corporation of America, LabCorp); PubMed 22952768 (cited by Labcorp Genetics (formerly Invitae), Labcorp); PubMed 23304067 (cited by Labcorp Genetics (formerly Invitae), Labcorp); PubMed 26338283 (cited by Labcorp Genetics (formerly Invitae), Labcorp).

NM_174878.3(CLRN1):c.563C>A (p.Ser188Ter)

Gene: CLRN1 (clarin 1; minus strand). Cytogenetic location: 3q25.1.
Variant type: single nucleotide variant.
Coding change: c.563C>A on transcript NM_174878.3 (MANE Select); coding-DNA position 563, C replaced by A.
Protein change: p.Ser188Ter; replaces serine 188 with a stop codon.
Molecular consequence: nonsense. On other transcripts: 3 prime UTR variant (1), non-coding transcript variant (1).
Genome position (GRCh38, 1-based): chr3:150,928,072, G>T on the plus strand (C>A on the coding strand, the complement: CLRN1 is on the minus strand). VCF-style: chr3-150928072-G-T. GRCh37 (hg19) VCF-style: chr3-150645859-G-T.
Other names: c.602C>A, p.Ser201Ter (NM_001195794.1); c.*177C>A (NM_001256819.2); c.335C>A, p.Ser112Ter (NM_052995.2); short protein forms S188*, S112*, S201*.
Identifiers: ClinVar variation 1451157 (VCV001451157.10), dbSNP rs2107927808, ClinGen allele CA354953048.